The following is an entry in ClinVar:

ClinVar aggregate classification (germline): Benign. Review status: criteria provided, multiple submitters, no conflicts (2 of 4 stars). 5 submissions from 5 submitters: Benign (4). 1 of the submissions does not count toward it. Last evaluated 2024-11-27.

Conditions:
Dihydropyrimidinase deficiency (DPYSD). Also called: dihydropyrimidinuria; DPH DEFICIENCY; DPYS DEFICIENCY. Identifiers: Orphanet 38874, MedGen C0342803, MONDO:0009111, OMIM 222748.

Allele frequency attached by ClinVar (database versions not stated): gnomAD exomes 0.57941 and 0.59465; TOPMed 0.60541; gnomAD 0.61425 and 0.61506; 1000 Genomes Project 30x 0.63273; 1000 Genomes Project 0.63618; ExAC 0.63835; ESP Exome Variant Server 0.71247.
gnomAD v4.1: 884,595 of 1,480,528 alleles (60%); highest among the groups gnomAD compares: East Asian, 70%; 265,125 homozygotes.

Submissions (5):

Blueprint Genetics
Classification: Benign. Last evaluated: 2024-11-27. Review status: criteria provided, single submitter. Criteria: ACMG Guidelines, 2015. Collection method: clinical testing. Allele origin: germline.

GeneDx
Classification: Benign. Last evaluated: 2018-07-09. Review status: criteria provided, single submitter. Criteria: GeneDx Variant Classification Process June 2021. Collection method: clinical testing. Allele origin: germline. Affected: yes.

Illumina Laboratory Services, Illumina
Classification: Benign for Dihydropyrimidinase deficiency. Last evaluated: 2018-01-13. Review status: criteria provided, single submitter. Criteria: ICSL Variant Classification Criteria 13 December 2019. Collection method: clinical testing. Allele origin: germline.
Comment: This variant was observed in the ICSL laboratory as part of a predisposition screen in an ostensibly healthy population. It had not been previously curated by ICSL or reported in the Human Gene Mutation Database (HGMD: prior to June 1st, 2018), and was therefore a candidate for classification through an automated scoring system. Utilizing variant allele frequency, disease prevalence and penetrance estimates, and inheritance mode, an automated score was calculated to assess if this variant is too frequent to cause the disease. Based on the score and internal cut-off values, a variant classified as benign is not then subjected to further curation. The score for this variant resulted in a classification of benign for this disease.

Breakthrough Genomics
Classification: Benign. Review status: criteria provided, single submitter. Criteria: ACMG Guidelines, 2015. Collection method: not provided. Allele origin: germline. Inheritance: Autosomal recessive inheritance. Affected: yes.

Diasio Lab,  Mayo Clinic
No classification provided. Review status: no classification provided. Collection method: not provided. Allele origin: unknown. Not counted in ClinVar's aggregate classification.

NM_001385.3(DPYS):c.-1T>C

Gene: DPYS (dihydropyrimidinase; minus strand). Cytogenetic location: 8q22.3.
Variant type: single nucleotide variant.
Coding change: c.-1T>C on transcript NM_001385.3 (MANE Select); 1 bases upstream of the start codon, T replaced by C.
Molecular consequence: 5 prime UTR variant.
Genome position (GRCh38, 1-based): chr8:104,466,921, A>G on the plus strand (T>C on the coding strand, the complement: DPYS is on the minus strand). VCF-style: chr8-104466921-A-G. GRCh37 (hg19) VCF-style: chr8-105479149-A-G.
Identifiers: ClinVar variation 100151 (VCV000100151.10), dbSNP rs2959023, ClinGen allele CA228230.